The following is an entry in ClinVar:

NM_201384.3(PLEC):c.7265T>C (p.Leu2422Pro)

Gene: PLEC (plectin; minus strand). Cytogenetic location: 8q24.3.
Variant type: single nucleotide variant.
Coding change: c.7265T>C on transcript NM_201384.3 (MANE Select); coding-DNA position 7265, T replaced by C.
Protein change: p.Leu2422Pro; replaces leucine 2422 with proline.
Molecular consequence: missense variant. On other transcripts: intron variant (1).
Genome position (GRCh38, 1-based): chr8:143,922,664, A>G on the plus strand (T>C on the coding strand, the complement: PLEC is on the minus strand). VCF-style: chr8-143922664-A-G. GRCh37 (hg19) VCF-style: chr8-144996832-A-G.
Other names: c.7265T>C, p.Leu2422Pro (NM_201382.4); c.7277T>C, p.Leu2426Pro (NM_201383.3); c.4126-269T>C (NM_001410941.1); c.7346T>C, p.Leu2449Pro (NM_000445.5); c.7223T>C, p.Leu2408Pro (NM_201378.4); c.7199T>C, p.Leu2400Pro (NM_201379.3); c.7676T>C, p.Leu2559Pro (NM_201380.4); c.7169T>C, p.Leu2390Pro (NM_201381.3); short protein forms L2559P, L2422P, L2449P, L2390P, L2400P, L2408P, L2426P.
Identifiers: ClinVar variation 3214713 (VCV003214713.2), dbSNP rs1823262079, ClinGen allele CA372528399.

ClinVar aggregate classification (germline): Uncertain significance. Review status: criteria provided, multiple submitters, no conflicts (2 of 4 stars). 2 submissions from 2 submitters: Uncertain significance (2). Last evaluated 2025-10-15.

Conditions:
Epidermolysis bullosa simplex 5C, with pyloric atresia (EBS5C). Also called: PLEC1-Related Epidermolysis Bullosa with Pyloric Atresia; PLEC-Related Epidermolysis Bullosa with Pyloric Atresia; Epidermolysis bullosa simplex with pyloric atresia. Identifiers: Orphanet 158684, MedGen C2677349, MONDO:0012807, OMIM 612138.
Epidermolysis bullosa simplex 5B, with muscular dystrophy (EBS5B). Also called: EPIDERMOLYSIS BULLOSA SIMPLEX AND LIMB-GIRDLE MUSCULAR DYSTROPHY; Epidermolysis bullosa simplex with muscular dystrophy. Identifiers: Orphanet 257, MedGen C2931072, MONDO:0009181, OMIM 226670.
Epidermolysis bullosa simplex, Ogna type (EBS5A). Also called: Pidermolysis bullosa simplex 5A, Ogna type; EPIDERMOLYSIS BULLOSA SIMPLEX 5A, OGNA TYPE. Identifiers: Orphanet 79401, MedGen C0432317, MONDO:0007555, OMIM 131950.
Autosomal recessive limb-girdle muscular dystrophy type 2Q (LGMDR17). Also called: MUSCULAR DYSTROPHY, LIMB-GIRDLE, AUTOSOMAL RECESSIVE 17. Identifiers: Orphanet 254361, MedGen C3150989, MONDO:0013390, OMIM 613723.
Epidermolysis bullosa simplex with nail dystrophy (EBS5D). Identifiers: MedGen C4225309, MONDO:0014661, OMIM 616487.
Inborn genetic diseases. Identifiers: MedGen C0950123, MeSH D030342.

Allele frequency attached by ClinVar (database versions not stated): TOPMed below 0.00001; gnomAD exomes 0.00001.
gnomAD v4.1: 12 of 1,613,224 alleles (0.00074%); highest among the groups gnomAD compares: Non-Finnish European, 0.001%; no homozygotes.

Submissions (2):

Labcorp Genetics (formerly Invitae), Labcorp
Classification: Uncertain significance for Autosomal recessive limb-girdle muscular dystrophy type 2Q; Epidermolysis bullosa simplex, Ogna type; Epidermolysis bullosa simplex with nail dystrophy; Epidermolysis bullosa simplex 5C, with pyloric atresia; Epidermolysis bullosa simplex 5B, with muscular dystrophy. Last evaluated: 2025-10-15. Review status: criteria provided, single submitter. Criteria: Invitae Variant Classification Sherloc (09022015). Collection method: clinical testing. Allele origin: germline.
Comment: This sequence change replaces leucine, which is neutral and non-polar, with proline, which is neutral and non-polar, at codon 2449 of the PLEC protein (p.Leu2449Pro). This variant is not present in population databases (gnomAD no frequency). This variant has not been reported in the literature in individuals affected with PLEC-related conditions. ClinVar contains an entry for this variant (Variation ID: 3214713). An algorithm developed to predict the effect of missense changes on protein structure and function (PolyPhen-2) suggests that this variant is likely to be disruptive. In summary, the available evidence is currently insufficient to determine the role of this variant in disease. Therefore, it has been classified as a Variant of Uncertain Significance.

Ambry Genetics
Classification: Uncertain significance for Inborn genetic diseases. Last evaluated: 2023-12-15. Review status: criteria provided, single submitter. Criteria: Ambry Variant Classification Scheme 2023. Collection method: clinical testing. Allele origin: germline.